The following is an entry in ClinVar:

NM_001361.5(DHODH):c.26G>A (p.Arg9Gln)

Gene: DHODH (dihydroorotate dehydrogenase (quinone); plus strand). Cytogenetic location: 16q22.2.
Variant type: single nucleotide variant.
Coding change: c.26G>A on transcript NM_001361.5 (MANE Select); coding-DNA position 26, G replaced by A.
Protein change: p.Arg9Gln; replaces arginine 9 with glutamine.
Molecular consequence: missense variant.
Genome position (GRCh38, 1-based): chr16:72,012,054, G>A. VCF-style: chr16-72012054-G-A. GRCh37 (hg19) VCF-style: chr16-72045953-G-A.
Other names: c.26G>A (NM_001361.4); short protein forms R9Q.
Identifiers: ClinVar variation 1400640 (VCV001400640.4), dbSNP rs201486372, ClinGen allele CA8158499.

ClinVar aggregate classification (germline): Uncertain significance. Review status: criteria provided, multiple submitters, no conflicts (2 of 4 stars). 2 submissions from 2 submitters: Uncertain significance (2). Last evaluated 2025-09-28.

Conditions:
Inborn genetic diseases. Identifiers: MedGen C0950123, MeSH D030342.

Allele frequency attached by ClinVar (database versions not stated): gnomAD 0.00004; ExAC 0.00005; 1000 Genomes Project 30x 0.00016; gnomAD exomes 0.00006; TOPMed 0.00003; 1000 Genomes Project 0.00020.
gnomAD v4.1: 63 of 1,613,954 alleles (0.0039%); highest among the groups gnomAD compares: East Asian, 0.036%; no homozygotes.

Submissions (2):

Ambry Genetics
Classification: Uncertain significance for Inborn genetic diseases. Last evaluated: 2025-09-28. Review status: criteria provided, single submitter. Criteria: Ambry Variant Classification Scheme 2023. Collection method: clinical testing. Allele origin: germline.

Labcorp Genetics (formerly Invitae), Labcorp
Classification: Uncertain significance. Last evaluated: 2021-12-24. Review status: criteria provided, single submitter. Criteria: Invitae Variant Classification Sherloc (09022015). Collection method: clinical testing. Allele origin: germline.
Comment: This sequence change replaces arginine, which is basic and polar, with glutamine, which is neutral and polar, at codon 9 of the DHODH protein (p.Arg9Gln). This variant is present in population databases (rs201486372, gnomAD 0.03%). This variant has not been reported in the literature in individuals affected with DHODH-related conditions. Algorithms developed to predict the effect of missense changes on protein structure and function (SIFT, PolyPhen-2, Align-GVGD) all suggest that this variant is likely to be tolerated. In summary, the available evidence is currently insufficient to determine the role of this variant in disease. Therefore, it has been classified as a Variant of Uncertain Significance.